The following is an entry in ClinVar:

NM_001353921.2(ARHGEF9):c.1442C>T (p.Pro481Leu)

Gene: ARHGEF9 (Cdc42 guanine nucleotide exchange factor 9; minus strand). Cytogenetic location: Xq11.1.
Variant type: single nucleotide variant.
Coding change: c.1442C>T on transcript NM_001353921.2 (MANE Select); coding-DNA position 1442, C replaced by T.
Protein change: p.Pro481Leu; replaces proline 481 with leucine.
Molecular consequence: missense variant. On other transcripts: 3 prime UTR variant (2).
Genome position (GRCh38, 1-based): chrX:63,638,158, G>A on the plus strand (C>T on the coding strand, the complement: ARHGEF9 is on the minus strand). VCF-style: chrX-63638158-G-A. GRCh37 (hg19) VCF-style: chrX-62858038-G-A.
Other names: c.1262C>T, p.Pro421Leu (NM_001173479.2); c.1115C>T, p.Pro372Leu (NM_001173480.2, NM_001369042.1); c.1358C>T, p.Pro453Leu (NM_001330495.2, NM_001369033.1, NM_001369034.1 and 4 more transcripts); c.1310C>T, p.Pro437Leu (NM_001353922.2); c.1460C>T, p.Pro487Leu (NM_001353923.1); c.1241C>T, p.Pro414Leu (NM_001353924.2, NM_001353926.2, NM_001369039.1 and 1 more transcripts); c.1226C>T, p.Pro409Leu (NM_001353927.2, NM_001369041.1); c.1289C>T, p.Pro430Leu (NM_001353928.2); and 3 more; short protein forms P372L, P409L, P414L, P437L, P453L, P292L, P430L, P474L.
Identifiers: ClinVar variation 2187132 (VCV002187132.4), dbSNP rs2047412000, ClinGen allele CA413401233.
Genomic context (GRCh38, chrX:63,638,158, plus strand): 5'-AACTCAAAGACCTGCGACTGAGCGATGCCGTCGGGGACCAGGTACTGGCCGTGGTTTAAC[G>A]GGTCCTGCGGTGGTGGGTAGGAAGGAGGAACTGAGCGGGCAGAGTTGACACCTAGAGTAG-3'
Protein context (NP_001340850.1, residues 471-491): VPPSYPPPQD[Pro481Leu]LNHGQYLVPD

ClinVar aggregate classification (germline): Uncertain significance (1 of 4 stars; one submission).

Conditions:
Developmental and epileptic encephalopathy, 8 (DEE8). Also called: HYPEREKPLEXIA AND EPILEPSY. Identifiers: Orphanet 163985, Orphanet 2076, MedGen C1845102, MONDO:0010375, OMIM 300607.

Submission:

Labcorp Genetics (formerly Invitae), Labcorp
Classification: Uncertain significance for Developmental and epileptic encephalopathy, 8. Last evaluated: 2023-05-15. Review status: criteria provided, single submitter. Criteria: Invitae Variant Classification Sherloc (09022015). Collection method: clinical testing. Allele origin: germline.
Comment: In summary, the available evidence is currently insufficient to determine the role of this variant in disease. Therefore, it has been classified as a Variant of Uncertain Significance. Advanced modeling of protein sequence and biophysical properties (such as structural, functional, and spatial information, amino acid conservation, physicochemical variation, residue mobility, and thermodynamic stability) performed at Invitae indicates that this missense variant is not expected to disrupt ARHGEF9 protein function. ClinVar contains an entry for this variant (Variation ID: 2187132). This variant has not been reported in the literature in individuals affected with ARHGEF9-related conditions. This variant is not present in population databases (gnomAD no frequency). This sequence change replaces proline, which is neutral and non-polar, with leucine, which is neutral and non-polar, at codon 474 of the ARHGEF9 protein (p.Pro474Leu).